The following is an entry in ClinVar:

ClinVar aggregate classification (germline): Conflicting classifications of pathogenicity. Review status: criteria provided, conflicting classifications (1 of 4 stars). 2 submissions from 2 submitters: Pathogenic (1); Uncertain significance (1). Last evaluated 2026-04-21.

Conditions:
Retinitis pigmentosa 25 (RP25). Identifiers: Orphanet 791, MedGen C1864446, MONDO:0011272, OMIM 602772.

Submissions (2):

Women's Health and Genetics/Laboratory Corporation of America, LabCorp
Classification: Uncertain significance. Last evaluated: 2026-04-21. Review status: criteria provided, single submitter. Criteria: LabCorp Variant Classification Summary - May 2015. Collection method: clinical testing. Allele origin: germline.
Comment: Variant summary: EYS c.7187G>T (p.Cys2396Phe) results in a non-conservative amino acid change in the encoded protein sequence. Algorithms developed to predict the effect of missense changes on protein structure and function all suggest that this variant is likely to be disruptive. The variant was absent in 155042 control chromosomes. c.7187G>T has been observed in the presumed compound heterozygous state in at least 1 individual(s) affected with Retinitis Pigmentosa (example, Matczyska_2024). Additionally, 1 homozygous affected individual was reported in ClinVar without available evidence for review. These data do not allow any conclusion about variant significance. A different variant affecting the same codon has been classified as likely pathogenic/pathogenic by our lab (c.7187G>C, p.Cys2396Ser), supporting the critical relevance of codon 2396 to EYS protein function. To our knowledge, no experimental evidence demonstrating an impact on protein function has been reported. The following publication has been ascertained in the context of this evaluation (PMID: 38927562). ClinVar contains an entry for this variant (Variation ID: 4533372). Based on the evidence outlined above, the variant was classified as VUS-possibly pathogenic.

Research Institute for Ophthalmology and Vision Science, Shahid Beheshti University of Medical Sciences
Classification: Pathogenic for Retinitis pigmentosa 25. Last evaluated: 2025-12-03. Review status: criteria provided, single submitter. Criteria: ACMG Guidelines, 2015. Collection method: research. Allele origin: germline. Inheritance: Autosomal recessive inheritance. Affected: yes. Observed: 1 homozygote.

Literature cited by the submitters: PubMed 38927562 (cited by Women's Health and Genetics/Laboratory Corporation of America, LabCorp).

NM_001142800.2(EYS):c.7187G>T (p.Cys2396Phe)

Gene: EYS (EGF-like photoreceptor maintenance factor; minus strand). Cytogenetic location: 6q12.
Variant type: single nucleotide variant.
Coding change: c.7187G>T on transcript NM_001142800.2 (MANE Select); coding-DNA position 7187, G replaced by T.
Protein change: p.Cys2396Phe; replaces cysteine 2396 with phenylalanine.
Molecular consequence: missense variant.
Genome position (GRCh38, 1-based): chr6:63,864,227, C>A on the plus strand (G>T on the coding strand, the complement: EYS is on the minus strand). VCF-style: chr6-63864227-C-A. GRCh37 (hg19) VCF-style: chr6-64574120-C-A.
Other names: c.7187G>T, p.Cys2396Phe (NM_001292009.2); short protein forms C2396F.
Identifiers: ClinVar variation 4533372 (VCV004533372.2).